The following is an entry in ClinVar:

ClinVar aggregate classification (germline): Uncertain significance. Review status: criteria provided, multiple submitters, no conflicts (2 of 4 stars). 2 submissions from 2 submitters: Uncertain significance (2). Last evaluated 2023-01-30.

Allele frequency attached by ClinVar (database versions not stated): gnomAD 0.00001; gnomAD exomes 0.00001; TOPMed 0.00001.
gnomAD v4.1: 11 of 1,599,746 alleles (0.00069%); highest among the groups gnomAD compares: Admixed American, 0.0018%; no homozygotes.

Submissions (2):

GeneDx
Classification: Uncertain significance. Last evaluated: 2023-01-30. Review status: criteria provided, single submitter. Criteria: GeneDx Variant Classification Process June 2021. Collection method: clinical testing. Allele origin: germline. Affected: yes.
Comment: Has not been previously published as pathogenic or benign in association with a PRKG1-related disorder to our knowledge; Not observed at significant frequency in large population cohorts (gnomAD); In silico analysis supports that this missense variant has a deleterious effect on protein structure/function; This variant is associated with the following publications: (PMID: 33726816)

Mayo Clinic Laboratories, Mayo Clinic
Classification: Uncertain significance. Last evaluated: 2022-02-02. Review status: criteria provided, single submitter. Criteria: ACMG Guidelines, 2015. Collection method: clinical testing. Allele origin: germline. Observed: 1 variant allele.

NM_006258.4(PRKG1):c.1742C>T (p.Thr581Ile)

Gene: PRKG1 (protein kinase cGMP-dependent 1; plus strand). Cytogenetic location: 10q21.1.
Variant type: single nucleotide variant.
Coding change: c.1742C>T on transcript NM_006258.4 (MANE Select); coding-DNA position 1742, C replaced by T.
Protein change: p.Thr581Ile; replaces threonine 581 with isoleucine.
Molecular consequence: missense variant.
Genome position (GRCh38, 1-based): chr10:52,288,758, C>T. VCF-style: chr10-52288758-C-T. GRCh37 (hg19) VCF-style: chr10-54048518-C-T.
Other names: p.Thr581Ile; c.1697C>T, p.Thr566Ile (NM_001098512.3); c.533C>T, p.Thr178Ile (NM_001374781.1); short protein forms T178I, T566I, T581I.
Identifiers: ClinVar variation 2412938 (VCV002412938.4), dbSNP rs866427575, ClinGen allele CA207401559.